The following is an entry in ClinVar:

ClinVar aggregate classification (germline): Pathogenic (1 of 4 stars; one submission).

Conditions:
Duchenne muscular dystrophy (DMD). Also called: MUSCULAR DYSTROPHY, PSEUDOHYPERTROPHIC PROGRESSIVE, DUCHENNE TYPE; Duchenne Muscular Dystrophy (DMD). Identifiers: Orphanet 98896, MedGen C0013264, MONDO:0010679, OMIM 310200.

Submission:

Labcorp Genetics (formerly Invitae), Labcorp
Classification: Pathogenic for Duchenne muscular dystrophy. Last evaluated: 2021-03-24. Review status: criteria provided, single submitter. Criteria: Invitae Variant Classification Sherloc (09022015). Collection method: clinical testing. Allele origin: germline.
Comment: This nonsense change has been observed in individual(s) with Duchenne muscular dystrophy (PMID: 29847600) For these reasons, this variant has been classified as Pathogenic. This variant is not present in population databases (ExAC no frequency). This sequence change creates a premature translational stop signal (p.Tyr3215*) in the DMD gene. It is expected to result in an absent or disrupted protein product. Loss-of-function variants in DMD are known to be pathogenic (PMID: 16770791, 25007885).

Literature cited by the submitters: PubMed 29847600; PubMed 16770791; PubMed 25007885.

NM_004006.3(DMD):c.9645C>G (p.Tyr3215Ter)

Gene: DMD (dystrophin; minus strand). Cytogenetic location: Xp21.2.
Variant type: single nucleotide variant.
Coding change: c.9645C>G on transcript NM_004006.3 (MANE Select); coding-DNA position 9645, C replaced by G.
Protein change: p.Tyr3215Ter; replaces tyrosine 3215 with a stop codon.
Molecular consequence: nonsense.
Genome position (GRCh38, 1-based): chrX:31,206,586, G>C on the plus strand (C>G on the coding strand, the complement: DMD is on the minus strand). VCF-style: chrX-31206586-G-C. GRCh37 (hg19) VCF-style: chrX-31224703-G-C.
Other names: c.9633C>G, p.Tyr3211Ter (NM_004009.3); c.9276C>G, p.Tyr3092Ter (NM_004010.3); c.5622C>G, p.Tyr1874Ter (NM_004011.4); c.5613C>G, p.Tyr1871Ter (NM_004012.4); c.2265C>G, p.Tyr755Ter (NM_004013.3, NM_004020.4, NM_004021.3 and 2 more transcripts); c.1458C>G, p.Tyr486Ter (NM_004014.3); c.441C>G, p.Tyr147Ter (NM_004015.3, NM_004016.3, NM_004017.3 and 2 more transcripts); c.9621C>G, p.Tyr3207Ter (NM_000109.4); short protein forms Y486*, Y1871*, Y1874*, Y3092*, Y3211*, Y755*, Y147*, Y3207*.
Identifiers: ClinVar variation 1423723 (VCV001423723.8), dbSNP rs2148563935, ClinGen allele CA412649358.
Genomic context (GRCh38, chrX:31,206,586, plus strand): 5'-CTAGGGTAATTAGCCAACATTAATAAAAGAATACAGCATTAATATACACGACTTACATCT[G>C]TACTTGTCTTCCAAATGTGCTTTACACAGGGAAATGATGCCAGTTTTAAAAGACAGGACA-3'